The following is an entry in ClinVar:

NM_000937.5(POLR2A):c.323G>A (p.Arg108His)

Gene: POLR2A (RNA polymerase II subunit A; plus strand). Cytogenetic location: 17p13.1.
Variant type: single nucleotide variant.
Coding change: c.323G>A on transcript NM_000937.5 (MANE Select); coding-DNA position 323, G replaced by A.
Protein change: p.Arg108His; replaces arginine 108 with histidine.
Molecular consequence: missense variant.
Genome position (GRCh38, 1-based): chr17:7,496,306, G>A. VCF-style: chr17-7496306-G-A. GRCh37 (hg19) VCF-style: chr17-7399625-G-A.
Other names: short protein forms R108H.
Identifiers: ClinVar variation 873142 (VCV000873142.2), dbSNP rs762784138, ClinGen allele CA397857336.

ClinVar aggregate classification (germline): Uncertain significance. Review status: criteria provided, single submitter (1 of 4 stars). 2 submissions from 2 submitters: Uncertain significance (1). 1 of the submissions does not count toward it. Last evaluated 2021-06-16.

Conditions:
Neurodevelopmental disorder with hypotonia and variable intellectual and behavioral abnormalities. Identifiers: MedGen C5231423, MONDO:0032829, OMIM 618603.

Submissions (2):

AiLife Diagnostics
Classification: Uncertain significance. Last evaluated: 2021-06-16. Review status: criteria provided, single submitter. Criteria: ACMG Guidelines, 2015. Collection method: clinical testing. Allele origin: germline. Affected: yes. Observed: 1 variant allele.

Human Genome Sequencing Center Clinical Lab, Baylor College of Medicine
Classification: Likely pathogenic for Neurodevelopmental disorder with hypotonia and variable intellectual and behavioral abnormalities. Last evaluated: 2020-05-08. Review status: no assertion criteria provided. Collection method: clinical testing. Allele origin: unknown. Affected: yes. Observed: 1 variant allele. Not counted in ClinVar's aggregate classification.
Comment: Pathogenicity supported by functional studies

Literature cited by the submitters: PubMed 33665635 (cited by AiLife Diagnostics).